The following is an entry in ClinVar:

NM_005845.5(ABCC4):c.2917+10G>A

Gene: ABCC4 (ATP binding cassette subfamily C member 4 (PEL blood group); minus strand). Cytogenetic location: 13q32.1.
Variant type: single nucleotide variant.
Coding change: c.2917+10G>A on transcript NM_005845.5 (MANE Select); 10 bases into the intron after coding-DNA position 2917, G replaced by A.
Molecular consequence: intron variant.
Genome position (GRCh38, 1-based): chr13:95,074,204, C>T on the plus strand (G>A on the coding strand, the complement: ABCC4 is on the minus strand). VCF-style: chr13-95074204-C-T. GRCh37 (hg19) VCF-style: chr13-95726458-C-T.
Other names: p.?; c.2776+10G>A (NM_001301829.2).
Identifiers: ClinVar variation 4683809 (VCV004683809.1).

ClinVar aggregate classification (germline): Likely benign (1 of 4 stars; one submission).

gnomAD v4.1: 13 of 1,591,174 alleles (0.00082%); highest among the groups gnomAD compares: African/African-American, 0.016%; no homozygotes.

Submission:

Mayo Clinic Laboratories, Mayo Clinic
Classification: Likely benign. Last evaluated: 2025-10-10. Review status: criteria provided, single submitter. Criteria: ACMG Guidelines, 2015. Collection method: clinical testing. Allele origin: germline. Observed: 1 variant allele.
Comment: BP4, BP7